The following is an entry in ClinVar:

NM_002168.4(IDH2):c.141G>A (p.Ala47=)

Gene: IDH2 (isocitrate dehydrogenase (NADP(+)) 2; minus strand). Cytogenetic location: 15q26.1.
Variant type: single nucleotide variant.
Coding change: c.141G>A on transcript NM_002168.4 (MANE Select); coding-DNA position 141, G replaced by A.
Protein change: p.Ala47=; no amino-acid change (alanine 47 retained).
Molecular consequence: synonymous variant. On other transcripts: 5 prime UTR variant (1), intron variant (1).
Genome position (GRCh38, 1-based): chr15:90,091,619, C>T on the plus strand (G>A on the coding strand, the complement: IDH2 is on the minus strand). VCF-style: chr15-90091619-C-T. GRCh37 (hg19) VCF-style: chr15-90634851-C-T.
Other names: c.-16G>A (NM_001289910.1); c.-17-2872G>A (NM_001290114.2).
Identifiers: ClinVar variation 712843 (VCV000712843.29), dbSNP rs145802942, ClinGen allele CA7733271.

ClinVar aggregate classification (germline): Likely benign. Review status: criteria provided, multiple submitters, no conflicts (2 of 4 stars). 2 submissions from 2 submitters: Likely benign (2). Last evaluated 2025-12-26.

Conditions:
D-2-hydroxyglutaric aciduria 2 (D2HGA2). Identifiers: Orphanet 79315, MedGen C3150909, MONDO:0013345, OMIM 613657.

Allele frequency attached by ClinVar (database versions not stated): TOPMed 0.00022; gnomAD 0.00023 and 0.00024; 1000 Genomes Project 30x 0.00031; 1000 Genomes Project 0.00040; ESP Exome Variant Server 0.00054.
gnomAD v4.1: 98 of 1,614,210 alleles (0.0061%); highest among the groups gnomAD compares: African/African-American, 0.079%; no homozygotes.

Submissions (2):

Labcorp Genetics (formerly Invitae), Labcorp
Classification: Likely benign for D-2-hydroxyglutaric aciduria 2. Last evaluated: 2025-12-26. Review status: criteria provided, single submitter. Criteria: Invitae Variant Classification Sherloc (09022015). Collection method: clinical testing. Allele origin: germline.

CeGaT Center for Human Genetics Tuebingen
Classification: Likely benign. Last evaluated: 2024-06-01. Review status: criteria provided, single submitter. Criteria: CeGaT Center For Human Genetics Tuebingen Variant Classification Criteria Version 2. Collection method: clinical testing. Allele origin: germline. Affected: yes. Observed: 1 variant allele.
Comment: IDH2: BP4, BP7